The following is an entry in ClinVar:

ClinVar aggregate classification (germline): Uncertain significance (1 of 4 stars; one submission).

Submission:

Labcorp Genetics (formerly Invitae), Labcorp
Classification: Uncertain significance. Last evaluated: 2023-09-24. Review status: criteria provided, single submitter. Criteria: Invitae Variant Classification Sherloc (09022015). Collection method: clinical testing. Allele origin: germline.
Comment: In summary, the available evidence is currently insufficient to determine the role of this variant in disease. Therefore, it has been classified as a Variant of Uncertain Significance. An algorithm developed to predict the effect of missense changes on protein structure and function (PolyPhen-2) suggests that this variant is likely to be tolerated. This variant has not been reported in the literature in individuals affected with VCAN-related conditions. This variant is not present in population databases (gnomAD no frequency). This sequence change replaces alanine, which is neutral and non-polar, with glutamic acid, which is acidic and polar, at codon 2450 of the VCAN protein (p.Ala2450Glu).

NM_004385.5(VCAN):c.7349C>A (p.Ala2450Glu)

Genes: VCAN (versican; plus strand), VCAN-AS1 (VCAN antisense RNA 1; minus strand). Cytogenetic location: 5q14.3.
Variant type: single nucleotide variant.
Coding change: c.7349C>A on transcript NM_004385.5 (MANE Select); coding-DNA position 7349, C replaced by A.
Protein change: p.Ala2450Glu; replaces alanine 2450 with glutamic acid.
Molecular consequence: missense variant. On other transcripts: intron variant (2).
Genome position (GRCh38, 1-based): chr5:83,540,352, C>A. VCF-style: chr5-83540352-C-A. GRCh37 (hg19) VCF-style: chr5-82836171-C-A.
Other names: c.4388C>A, p.Ala1463Glu (NM_001164097.2); c.4004-5185C>A (NM_001164098.2); c.1043-5185C>A (NM_001126336.3); short protein forms A1463E, A2450E.
Identifiers: ClinVar variation 2815932 (VCV002815932.3), dbSNP rs2479118292, ClinGen allele CA360314550.